The following is an entry in ClinVar:

ClinVar aggregate classification (germline): Uncertain significance (1 of 4 stars; one submission).

gnomAD v4.1: 34 of 1,613,952 alleles (0.0021%); highest among the groups gnomAD compares: Non-Finnish European, 0.0024%; no homozygotes.

Submission:

Mayo Clinic Laboratories, Mayo Clinic
Classification: Uncertain significance. Last evaluated: 2023-08-25. Review status: criteria provided, single submitter. Criteria: ACMG Guidelines, 2015. Collection method: clinical testing. Allele origin: germline. Observed: 1 variant allele.
Comment: PP3, PM2_moderate, PM3_supporting

Literature cited by the submitters: PubMed 27471141; PubMed 37373084.

NM_006363.6(SEC23B):c.52C>T (p.Arg18Cys)

Gene: SEC23B (SEC23 homolog B, COPII coat complex component; plus strand). Cytogenetic location: 20p11.23.
Variant type: single nucleotide variant.
Coding change: c.52C>T on transcript NM_006363.6 (MANE Select); coding-DNA position 52, C replaced by T.
Protein change: p.Arg18Cys; replaces arginine 18 with cysteine.
Molecular consequence: missense variant.
Genome position (GRCh38, 1-based): chr20:18,510,887, C>T. VCF-style: chr20-18510887-C-T. GRCh37 (hg19) VCF-style: chr20-18491531-C-T.
Other names: p.Arg18Cys; c.52C>T, p.Arg18Cys (NM_001172745.3, NM_001172746.3, NM_032985.6 and 1 more transcripts); short protein forms R18C.
Identifiers: ClinVar variation 3380656 (VCV003380656.1).
Genomic context (GRCh38, chr20:18,510,887, plus strand): 5'-TTTTAGACTATGGCGACATACCTGGAGTTCATCCAGCAGAATGAAGAACGGGATGGTGTG[C>T]GTTTTAGTTGGAACGTGTGGCCTTCCAGCCGGCTGGAGGCTACAAGAATGGTTGTACCCC-3'
Protein context (NP_006354.2, residues 8-28): IQQNEERDGV[Arg18Cys]FSWNVWPSSR